The following is an entry in ClinVar:

NM_001007090.3(C8orf48):c.227A>G (p.Tyr76Cys)

Genes: C8orf48 (chromosome 8 open reading frame 48; plus strand), DLC1 (DLC1 Rho GTPase activating protein; minus strand). Cytogenetic location: 8p22.
Variant type: single nucleotide variant.
Coding change: c.227A>G on transcript NM_001007090.3 (MANE Select); coding-DNA position 227, A replaced by G.
Protein change: p.Tyr76Cys; replaces tyrosine 76 with cysteine.
Molecular consequence: missense variant. On other transcripts: intron variant (2).
Genome position (GRCh38, 1-based): chr8:13,567,218, A>G. VCF-style: chr8-13567218-A-G. GRCh37 (hg19) VCF-style: chr8-13424727-A-G.
Other names: c.-1577+37319T>C (NM_001348082.2); c.-126+37319T>C (NM_001348081.2); short protein forms Y76C.
Identifiers: ClinVar variation 2658436 (VCV002658436.22), dbSNP rs147132901, ClinGen allele CA4639641.

ClinVar aggregate classification (germline): Likely benign (1 of 4 stars; one submission).

Allele frequency attached by ClinVar (database versions not stated): 1000 Genomes Project 0.00160; ExAC 0.00419; ESP Exome Variant Server 0.00416; TOPMed 0.00497; 1000 Genomes Project 30x 0.00125.
gnomAD v4.1: 8,207 of 1,551,658 alleles (0.53%); highest among the groups gnomAD compares: Middle Eastern, 1.2%; 26 homozygotes.

Submission:

CeGaT Center for Human Genetics Tuebingen
Classification: Likely benign. Last evaluated: 2023-03-01. Review status: criteria provided, single submitter. Criteria: CeGaT Center For Human Genetics Tuebingen Variant Classification Criteria Version 2. Collection method: clinical testing. Allele origin: germline. Affected: yes. Observed: 1 variant allele.
Comment: C8orf48: BP4, BS2